The following is an entry in ClinVar:

ClinVar aggregate classification (germline): Uncertain significance (1 of 4 stars; one submission).

Allele frequency attached by ClinVar (database versions not stated): gnomAD 0.00001; 1000 Genomes Project 30x 0.00016; TOPMed below 0.00001; ExAC 0.00001; 1000 Genomes Project 0.00020.

Submission:

Labcorp Genetics (formerly Invitae), Labcorp
Classification: Uncertain significance. Last evaluated: 2023-08-10. Review status: criteria provided, single submitter. Criteria: Invitae Variant Classification Sherloc (09022015). Collection method: clinical testing. Allele origin: germline.
Comment: In summary, the available evidence is currently insufficient to determine the role of this variant in disease. Therefore, it has been classified as a Variant of Uncertain Significance. An algorithm developed to predict the effect of missense changes on protein structure and function (PolyPhen-2) suggests that this variant is likely to be disruptive. ClinVar contains an entry for this variant (Variation ID: 2086263). This variant has not been reported in the literature in individuals affected with LRRC10-related conditions. This variant is present in population databases (rs539911864, gnomAD 0.006%). This sequence change replaces methionine, which is neutral and non-polar, with valine, which is neutral and non-polar, at codon 189 of the LRRC10 protein (p.Met189Val).

NM_201550.4(LRRC10):c.565A>G (p.Met189Val)

Gene: LRRC10 (leucine rich repeat containing 10; minus strand). Cytogenetic location: 12q15.
Variant type: single nucleotide variant.
Coding change: c.565A>G on transcript NM_201550.4 (MANE Select); coding-DNA position 565, A replaced by G.
Protein change: p.Met189Val; replaces methionine 189 with valine.
Molecular consequence: missense variant.
Genome position (GRCh38, 1-based): chr12:69,610,274, T>C on the plus strand (A>G on the coding strand, the complement: LRRC10 is on the minus strand). VCF-style: chr12-69610274-T-C. GRCh37 (hg19) VCF-style: chr12-70004054-T-C.
Other names: short protein forms M189V.
Identifiers: ClinVar variation 2086263 (VCV002086263.4), dbSNP rs539911864, ClinGen allele CA6681043.